The following is an entry in ClinVar:

ClinVar aggregate classification (germline): Uncertain significance. Review status: criteria provided, multiple submitters, no conflicts (2 of 4 stars). 3 submissions from 3 submitters: Uncertain significance (3). Last evaluated 2026-05-18.

Allele frequency attached by ClinVar (database versions not stated): gnomAD exomes below 0.00001; TOPMed below 0.00001; ExAC 0.00001; gnomAD 0.00001.
gnomAD v4.1: 8 of 1,599,060 alleles (0.0005%); highest among the groups gnomAD compares: East Asian, 0.0022%; no homozygotes.

Submissions (3):

Women's Health and Genetics/Laboratory Corporation of America, LabCorp
Classification: Uncertain significance. Last evaluated: 2026-05-18. Review status: criteria provided, single submitter. Criteria: LabCorp Variant Classification Summary - May 2015. Collection method: clinical testing. Allele origin: germline.
Comment: Variant summary: ATP2B2 c.1678G>A (p.Ala560Thr) results in a non-conservative amino acid change in the encoded protein sequence. Algorithms developed to predict the effect of missense changes on protein structure and function are either unavailable or do not agree on the potential impact of this missense change. The variant allele was found at a frequency of 4.1e-06 in 244474 control chromosomes. The available data on variant occurrences in the general population are insufficient to allow any conclusion about variant significance. To our knowledge, no occurrence of c.1678G>A in individuals affected with ATP2B2-related conditions and no experimental evidence demonstrating its impact on protein function have been reported. ClinVar contains an entry for this variant (Variation ID: 3253238). Based on the evidence outlined above, the variant was classified as uncertain significance.

Ambry Genetics
Classification: Uncertain significance. Last evaluated: 2024-11-10. Review status: criteria provided, single submitter. Criteria: Ambry Variant Classification Scheme 2023. Collection method: clinical testing. Allele origin: germline.

GeneDx
Classification: Uncertain significance. Last evaluated: 2023-08-17. Review status: criteria provided, single submitter. Criteria: GeneDx Variant Classification Process June 2021. Collection method: clinical testing. Allele origin: germline. Affected: yes.
Comment: Not observed at significant frequency in large population cohorts (gnomAD); In silico analysis supports that this missense variant does not alter protein structure/function; Has not been previously published as pathogenic or benign to our knowledge

NM_001001331.4(ATP2B2):c.1678G>A (p.Ala560Thr)

Gene: ATP2B2 (ATPase plasma membrane Ca2+ transporting 2; minus strand). Cytogenetic location: 3p25.3.
Variant type: single nucleotide variant.
Coding change: c.1678G>A on transcript NM_001001331.4 (MANE Select); coding-DNA position 1678, G replaced by A.
Protein change: p.Ala560Thr; replaces alanine 560 with threonine.
Molecular consequence: missense variant.
Genome position (GRCh38, 1-based): chr3:10,360,105, C>T on the plus strand (G>A on the coding strand, the complement: ATP2B2 is on the minus strand). VCF-style: chr3-10360105-C-T. GRCh37 (hg19) VCF-style: chr3-10401789-C-T.
Other names: c.1543G>A, p.Ala515Thr (NM_001330611.3, NM_001353564.1, NM_001363862.1 and 1 more transcripts); short protein forms A515T, A560T.
Identifiers: ClinVar variation 3253238 (VCV003253238.3), dbSNP rs761133287.